The following is an entry in ClinVar:

NM_000218.3(KCNQ1):c.2025dup (p.Ser676fs)

Genes: KCNQ1 (potassium voltage-gated channel subfamily Q member 1; plus strand), KCNQ1-AS1 (KCNQ1 antisense RNA 1; minus strand). Cytogenetic location: 11p15.4.
Variant type: Duplication.
Coding change: c.2025dup on transcript NM_000218.3 (MANE Select); coding-DNA position 2025, one base duplicated (G; older notation c.2025dupG).
Protein change: p.Ser676fs; shifts the reading frame from serine 676.
Molecular consequence: frameshift variant.
Genome position (GRCh38, 1-based): chr11:2,847,997, G duplicated; the last of 4 consecutive G bases (chr11:2,847,994-2,847,997); duplicating any one gives the same sequence. VCF-style (leftmost placement, unchanged base first): chr11-2847993-A-AG. GRCh37 (hg19) VCF-style: chr11-2869223-A-AG.
Other names: c.2025dupG (NM_000218.2); c.1929dup, p.Ser644Valfs (NM_001406836.1); c.1755dup, p.Ser586Valfs (NM_001406837.1); c.1485dup, p.Ser496Valfs (NM_001406838.1); c.537dup, p.Ser180Valfs (NM_001406839.1); c.1644dup, p.Ser549Valfs (NM_181798.2); short protein forms S676fs, S549fs.
Identifiers: ClinVar variation 53029 (VCV000053029.11), dbSNP rs397508106, ClinGen allele CA305988.

ClinVar aggregate classification (germline): Conflicting classifications of pathogenicity. Review status: criteria provided, conflicting classifications (1 of 4 stars). 2 submissions from 2 submitters: Likely pathogenic (1); Uncertain significance (1). Last evaluated 2024-12-04.

Conditions:
Long QT syndrome (LQTS). Identifiers: MedGen C0023976, MeSH D008133, MONDO:0002442. Disease mechanism: loss of function. Inheritance: Various modes of inheritance.

Submissions (2):

Labcorp Genetics (formerly Invitae), Labcorp
Classification: Uncertain significance for Long QT syndrome. Last evaluated: 2024-12-04. Review status: criteria provided, single submitter. Criteria: Invitae Variant Classification Sherloc (09022015). Collection method: clinical testing. Allele origin: germline.
Comment: This sequence change results in a frameshift in the KCNQ1 gene (p.Ser676Valfs*118). While this is not anticipated to result in nonsense mediated decay, it is expected to disrupt the last 1 amino acid(s) of the KCNQ1 protein and extend the protein by 116 additional amino acid residues. This variant is not present in population databases (gnomAD no frequency). This frameshift has been observed in individual(s) with clinical features of long QT syndrome (PMID: 15840476; internal data). This variant is also known as ins G 2025-2026 (G675fs/17*). ClinVar contains an entry for this variant (Variation ID: 53029). In summary, the available evidence is currently insufficient to determine the role of this variant in disease. Therefore, it has been classified as a Variant of Uncertain Significance.

GeneDx
Classification: Likely pathogenic. Last evaluated: 2020-02-13. Review status: criteria provided, single submitter. Criteria: GeneDx Variant Classification Process June 2021. Collection method: clinical testing. Allele origin: germline. Affected: yes.
Comment: Not observed in large population cohorts (Lek et al., 2016); This variant is associated with the following publications: (PMID: 15840476)

Literature cited by the submitters: PubMed 15840476 (cited by Labcorp Genetics (formerly Invitae), Labcorp).